The following is an entry in ClinVar:

NM_014845.6(FIG4):c.935C>G (p.Ser312Cys)

Gene: FIG4 (FIG4 phosphoinositide 5-phosphatase; plus strand). Cytogenetic location: 6q21.
Variant type: single nucleotide variant.
Coding change: c.935C>G on transcript NM_014845.6 (MANE Select); coding-DNA position 935, C replaced by G.
Protein change: p.Ser312Cys; replaces serine 312 with cysteine.
Molecular consequence: missense variant.
Genome position (GRCh38, 1-based): chr6:109,743,168, C>G. VCF-style: chr6-109743168-C-G. GRCh37 (hg19) VCF-style: chr6-110064371-C-G.
Other names: short protein forms S312C.
Identifiers: ClinVar variation 1899754 (VCV001899754.4), dbSNP rs1023186357, ClinGen allele CA145137341.
Genomic context (GRCh38, chr6:109,743,168, plus strand): 5'-AGGGTGATGTTGCAAATGAAGTGGAGACTGAACAAATACTCTGCGATGCTTCTGTGATGT[C>G]TTTCACTGCAGGAAGTTATTCTTCATATGTACAAGTTAGAGGATCTGTGCCCTTATACTG-3'
Protein context (NP_055660.1, residues 302-322): EQILCDASVM[Ser312Cys]FTAGSYSSYV

ClinVar aggregate classification (germline): Uncertain significance. Review status: criteria provided, multiple submitters, no conflicts (2 of 4 stars). 2 submissions from 2 submitters: Uncertain significance (2). Last evaluated 2023-06-20.

Conditions:
Charcot-Marie-Tooth disease type 4. Also called: Charcot-Marie-Tooth disease, type IV; Charcot-Marie-Tooth, Type 4. Identifiers: Orphanet 64749, MedGen C4082197, MONDO:0018995.

Allele frequency attached by ClinVar (database versions not stated): gnomAD 0.00004; TOPMed 0.00006.
gnomAD v4.1: 9 of 1,612,742 alleles (0.00056%); highest among the groups gnomAD compares: African/African-American, 0.011%; no homozygotes.

Submissions (2):

GeneDx
Classification: Uncertain significance. Last evaluated: 2023-06-20. Review status: criteria provided, single submitter. Criteria: GeneDx Variant Classification Process June 2021. Collection method: clinical testing. Allele origin: germline. Affected: yes.
Comment: Not observed at significant frequency in large population cohorts (gnomAD); In silico analysis supports that this missense variant has a deleterious effect on protein structure/function; Has not been previously published as pathogenic or benign to our knowledge

Labcorp Genetics (formerly Invitae), Labcorp
Classification: Uncertain significance for Charcot-Marie-Tooth disease type 4. Last evaluated: 2022-01-26. Review status: criteria provided, single submitter. Criteria: Invitae Variant Classification Sherloc (09022015). Collection method: clinical testing. Allele origin: germline.
Comment: In summary, the available evidence is currently insufficient to determine the role of this variant in disease. Therefore, it has been classified as a Variant of Uncertain Significance. Algorithms developed to predict the effect of missense changes on protein structure and function (SIFT, PolyPhen-2, Align-GVGD) all suggest that this variant is likely to be tolerated. This variant has not been reported in the literature in individuals affected with FIG4-related conditions. The frequency data for this variant in the population databases is considered unreliable, as metrics indicate poor data quality at this position in the gnomAD database. This sequence change replaces serine, which is neutral and polar, with cysteine, which is neutral and slightly polar, at codon 312 of the FIG4 protein (p.Ser312Cys).